The following is an entry in ClinVar:

NM_005932.4(MIPEP):c.2116G>A (p.Glu706Lys)

Gene: MIPEP (mitochondrial intermediate peptidase; minus strand). Cytogenetic location: 13q12.12.
Variant type: single nucleotide variant.
Coding change: c.2116G>A on transcript NM_005932.4 (MANE Select); coding-DNA position 2116, G replaced by A.
Protein change: p.Glu706Lys; replaces glutamic acid 706 with lysine.
Molecular consequence: missense variant.
Genome position (GRCh38, 1-based): chr13:23,730,374, C>T on the plus strand (G>A on the coding strand, the complement: MIPEP is on the minus strand). VCF-style: chr13-23730374-C-T. GRCh37 (hg19) VCF-style: chr13-24304513-C-T.
Other names: short protein forms E706K.
Identifiers: ClinVar variation 4690433 (VCV004690433.1).

ClinVar aggregate classification (germline): Uncertain significance (1 of 4 stars; one submission).

gnomAD v4.1: 27 of 1,611,896 alleles (0.0017%); highest among the groups gnomAD compares: East Asian, 0.011%; no homozygotes.

Submission:

Labcorp Genetics (formerly Invitae), Labcorp
Classification: Uncertain significance. Last evaluated: 2025-10-18. Review status: criteria provided, single submitter. Criteria: Invitae Variant Classification Sherloc (09022015). Collection method: clinical testing. Allele origin: germline.
Comment: This sequence change replaces glutamic acid, which is acidic and polar, with lysine, which is basic and polar, at codon 706 of the MIPEP protein (p.Glu706Lys). This variant is present in population databases (rs749656281, gnomAD 0.01%). This variant has not been reported in the literature in individuals affected with MIPEP-related conditions. An algorithm developed to predict the effect of missense changes on protein structure and function (PolyPhen-2) suggests that this variant is likely to be disruptive. In summary, the available evidence is currently insufficient to determine the role of this variant in disease. Therefore, it has been classified as a Variant of Uncertain Significance.